The following is an entry in ClinVar:

NM_001348768.2(HECW2):c.1373A>G (p.Asn458Ser)

Gene: HECW2 (HECT, C2 and WW domain containing E3 ubiquitin protein ligase 2; minus strand). Cytogenetic location: 2q32.3.
Variant type: single nucleotide variant.
Coding change: c.1373A>G on transcript NM_001348768.2 (MANE Select); coding-DNA position 1373, A replaced by G.
Protein change: p.Asn458Ser; replaces asparagine 458 with serine.
Molecular consequence: missense variant.
Genome position (GRCh38, 1-based): chr2:196,319,517, T>C on the plus strand (A>G on the coding strand, the complement: HECW2 is on the minus strand). VCF-style: chr2-196319517-T-C. GRCh37 (hg19) VCF-style: chr2-197184241-T-C.
Other names: c.1373A>G (NM_020760.2); c.305A>G, p.Asn102Ser (NM_001304840.3); c.1373A>G, p.Asn458Ser (NM_020760.4); short protein forms N102S, N458S.
Identifiers: ClinVar variation 4959266 (VCV004959266.2).
Genomic context (GRCh38, chr2:196,319,517, plus strand): 5'-TAACCCAGGTCTTGCTGGAACTCGTGATCTTCTTCATCTGAATCAATATGAAGCATGGCA[T>C]TGAGTCTTGTGTCAGTGGGAAAACTACTCCTCAGTTTCGGAGAGGCACCCATGGACCTCT-3'
Protein context (NP_001335697.1, residues 448-468): RSSFPTDTRL[Asn458Ser]AMLHIDSDEE

ClinVar aggregate classification (germline): Conflicting classifications of pathogenicity. Review status: criteria provided, conflicting classifications (1 of 4 stars). 2 submissions from 2 submitters: Uncertain significance (1); Likely benign (1). Last evaluated 2026-04-02.

Conditions:
HECW2-related disorder. Also called: HECW2-related condition.

gnomAD v4.1: 2 of 1,614,192 alleles (0.00012%); highest among the groups gnomAD compares: South Asian, 0.0022%; no homozygotes.

Submissions (2):

PreventionGenetics, part of Exact Sciences
Classification: Uncertain significance for HECW2-related condition. Last evaluated: 2026-04-02. Review status: criteria provided, single submitter. Criteria: ACMG Guidelines, 2015. Collection method: clinical testing. Allele origin: germline.
Comment: The HECW2 c.1373A>G variant is predicted to result in the amino acid substitution p.Asn458Ser. To our knowledge, this variant has not been reported in the literature. This variant is reported in 0.0033% of alleles in individuals of South Asian descent in gnomAD. At this time, the clinical significance of this variant is uncertain due to the absence of conclusive functional and genetic evidence.

Blueprint Genetics
Classification: Likely benign. Last evaluated: 2022-10-27. Review status: criteria provided, single submitter. Criteria: ACMG Guidelines, 2015. Collection method: clinical testing. Allele origin: germline.